The following is an entry in ClinVar:

NM_152618.3(BBS12):c.2023C>T (p.Arg675Ter)

Gene: BBS12 (Bardet-Biedl syndrome 12; plus strand). Cytogenetic location: 4q27.
Variant type: single nucleotide variant.
Coding change: c.2023C>T on transcript NM_152618.3 (MANE Select); coding-DNA position 2023, C replaced by T.
Protein change: p.Arg675Ter; replaces arginine 675 with a stop codon.
Molecular consequence: nonsense.
Genome position (GRCh38, 1-based): chr4:122,743,915, C>T. VCF-style: chr4-122743915-C-T. GRCh37 (hg19) VCF-style: chr4-123665070-C-T.
Other names: c.2023C>T, p.Arg675Ter (NM_001178007.2); c.2023C>T (NM_001178007.1); short protein forms R675*.
Identifiers: ClinVar variation 347505 (VCV000347505.85), dbSNP rs752202089, ClinGen allele CA3069552.
Genomic context (GRCh38, chr4:122,743,915, plus strand): 5'-AAACTGGAGCAGATTCCGAGAGTTTATGACGTTGTTACACCAAAGATTGAGGCGTGGCGC[C>T]GAGCATTGGATTTAGTATTGTTAGTACTTCAGACAGACAGTGAAATAATTACTGGACATG-3'

ClinVar aggregate classification (germline): Pathogenic/Likely pathogenic. Review status: criteria provided, multiple submitters, no conflicts (2 of 4 stars). 17 submissions from 17 submitters: Pathogenic (9); Likely pathogenic (4). 4 of the submissions do not count toward it. Last evaluated 2025-12-15.

Conditions:
Bardet-Biedl syndrome (BBS). Identifiers: Orphanet 110, MedGen C0752166, MONDO:0015229.
BBS12-related disorder. Also called: BBS12-related condition.
Bardet-Biedl syndrome 12 (BBS12). Identifiers: Orphanet 110, MedGen C1859570, MONDO:0014440, OMIM 615989.

Allele frequency attached by ClinVar (database versions not stated): ExAC 0.00001; gnomAD 0.00001; gnomAD exomes 0.00001; TOPMed 0.00001.
gnomAD v4.1: 7 of 1,606,830 alleles (0.00044%); highest among the groups gnomAD compares: South Asian, 0.0011%; no homozygotes.

Submissions (17):

Labcorp Genetics (formerly Invitae), Labcorp
Classification: Pathogenic for Bardet-Biedl syndrome. Last evaluated: 2025-12-15. Review status: criteria provided, single submitter. Criteria: Invitae Variant Classification Sherloc (09022015). Collection method: clinical testing. Allele origin: germline.
Comment: This sequence change creates a premature translational stop signal (p.Arg675*) in the BBS12 gene. While this is not anticipated to result in nonsense mediated decay, it is expected to disrupt the last 36 amino acid(s) of the BBS12 protein. This variant is present in population databases (rs752202089, gnomAD 0.002%). This premature translational stop signal has been observed in individual(s) with Bardet-Biedl syndrome (PMID: 20827784, 21642631). In at least one individual the data is consistent with being in trans (on the opposite chromosome) from a pathogenic variant. ClinVar contains an entry for this variant (Variation ID: 347505). For these reasons, this variant has been classified as Pathogenic.

PreventionGenetics, part of Exact Sciences
Classification: Pathogenic for BBS12-related condition. Last evaluated: 2025-11-01. Review status: criteria provided, single submitter. Criteria: ACMG Guidelines, 2015. Collection method: clinical testing. Allele origin: germline.
Comment: The BBS12 c.2023C>T variant is predicted to result in premature protein termination (p.Arg675*). This variant has been reported to be causative for Bardet-Biedl syndrome (for example, Dulfer et al. 2010. PubMed ID: 20827784; Mary et al. 2019. PubMed ID: 30614526; Table S1, Weisschuh et al. 2020. PubMed ID: 32531858). This variant is reported in 0.0018% of alleles in individuals of European (Non-Finnish) descent in gnomAD. Nonsense variants in BBS12 are expected to be pathogenic. This variant is interpreted as pathogenic.

Genomic Medicine Center of Excellence, King Faisal Specialist Hospital and Research Centre
Classification: Pathogenic for Bardet-Biedl syndrome 12. Last evaluated: 2025-09-10. Review status: criteria provided, single submitter. Criteria: ACMG Guidelines, 2015. Collection method: clinical testing. Allele origin: germline.

Natera, Inc.
Classification: Likely pathogenic for Bardet-Biedl syndrome type 12. Last evaluated: 2025-06-25. Review status: criteria provided, single submitter. Criteria: Natera Variant Classification Schema (03/2026). Collection method: clinical testing. Allele origin: germline.
Comment: The c.2023C>T variant in BBS12 is a nonsense variant predicted to introduce a stop codon at amino acid 675. This variant may result in a truncated or dysfunctional protein product. This variant is rare in the general population with a frequency below the threshold expected for the associated phenotype(s). This variant has been observed in one or more individuals affected with the associated recessive disease, as either homozygous or compound heterozygous with a second variant (PMID: 34906515, 39092430, 36281451, 30614526). Given the available evidence, this variant is classified as Likely Pathogenic.

GeneDx
Classification: Pathogenic. Last evaluated: 2025-04-04. Review status: criteria provided, single submitter. Criteria: GeneDx Variant Classification Process June 2021. Collection method: clinical testing. Allele origin: germline. Affected: yes.
Comment: Nonsense variant predicted to result in protein truncation, as the last 36 amino acids are lost, and other loss-of-function variants have been reported downstream in HGMD; Not observed at significant frequency in large population cohorts (gnomAD); This variant is associated with the following publications: (PMID: 31589614, 34426522, 21642631, Orlova2021[CaseReport], 33964006, 20827784, 38374194, 30614526, 39092430, 31964843, 35886001, 32531858, 36281451, 34906515, 36460718)

Genetics and Genomic Medicine Centre, NeuroGen Healthcare, NeuroGen Healthcare
Classification: Pathogenic for Bardet-Biedl syndrome 12. Last evaluated: 2024-07-10. Review status: criteria provided, single submitter. Criteria: ACMG Guidelines, 2015. Collection method: clinical testing. Allele origin: unknown. Affected: yes.

Baylor Genetics
Classification: Pathogenic for Bardet-Biedl syndrome 12. Last evaluated: 2024-03-08. Review status: criteria provided, single submitter. Criteria: ACMG Guidelines, 2015. Collection method: clinical testing. Allele origin: unknown.

Blueprint Genetics
Classification: Pathogenic for BBS12-related disorders. Last evaluated: 2022-11-25. Review status: criteria provided, single submitter. Criteria: ACMG Guidelines, 2015. Collection method: clinical testing. Allele origin: germline. Affected: yes. Observed: 5 variant alleles.

Kariminejad - Najmabadi Pathology & Genetics Center
Classification: Likely pathogenic. Last evaluated: 2021-07-10. Review status: criteria provided, single submitter. Criteria: ACMG Guidelines, 2015. Collection method: clinical testing. Allele origin: germline. Affected: yes.

Fulgent Genetics
Classification: Pathogenic for Bardet-Biedl syndrome 12. Last evaluated: 2018-10-31. Review status: criteria provided, single submitter. Criteria: ACMG Guidelines, 2015. Collection method: clinical testing. Allele origin: unknown.

Illumina Laboratory Services, Illumina
Classification: Likely pathogenic for Bardet-Biedl syndrome 12. Last evaluated: 2017-04-28. Review status: criteria provided, single submitter. Criteria: ICSL Variant Classification Criteria 09 May 2019. Collection method: clinical testing. Allele origin: germline.
Comment: The BBS12 c.2023C>T (p.Arg675Ter) stop-gained variant has been reported in two studies in a total of three individuals, either with Bardet-Biedl syndrome (BBS) or suspected to have BBS, in a compound heterozygous state (Dulfer et al. 2010; Chen et al. 2011). Of these individuals, two were siblings who also had a heterozygous frameshift variant in the BBS10 gene. In this family, the father was heterozygous for the BBS12 p.Arg675Ter variant and the mother was heterozygous for the other variants. The other individual who had the p.Arg675Ter variant in a compound heterozygous state also had a heterozygous missense variant in the BBS1 gene. The p.Arg675Ter variant was absent from 288 controls but is reported at a frequency of 0.00002 in the European (non-Finnish) population of the Exome Aggregation Consortium, however this is based on one allele in a region of good sequence coverage so the variant is presumed to be rare. Based on the evidence and due to potential impact of stop-gained variants, the p.Arg675Ter variant is classified as likely pathogenic for Bardet-Biedl syndrome. This variant was observed by ICSL as part of a predisposition screen in an ostensibly healthy population.

CeGaT Center for Human Genetics Tuebingen
Classification: Pathogenic. Last evaluated: 2016-10-01. Review status: criteria provided, single submitter. Criteria: CeGaT Center For Human Genetics Tuebingen Variant Classification Criteria Version 2. Collection method: clinical testing. Allele origin: germline. Affected: yes. Observed: 1 variant allele.

Neuberg Centre For Genomic Medicine, NCGM
Classification: Likely pathogenic for Bardet-Biedl syndrome 12. Review status: criteria provided, single submitter. Criteria: ACMG Guidelines, 2015. Collection method: clinical testing. Allele origin: germline. Inheritance: Autosomal recessive inheritance. Affected: yes.
Comment: The stop gain variant c.2023C>T (p.Arg675Ter) in the BBS12 gene has been reported previously in a compound heterozygous state in patients affected with Bardet–Biedl Syndrome. Two of the patients also had a heterozygous frameshift variant in the BBS10 gene along with the BBS12 variants (Dulfer E. et al., 2010). This variant is reported with the allele frequency (0.0008%) in the gnomAD Exomes and novel in 1000 genome database. This variant is predicted to cause loss of normal protein function through protein truncation. Loss of function variants have been previously reported to be disease causing. For these reasons, this variant has been classified as Likely Pathogenic

Laboratory of Medical Genetics (UMR_S 1112), INSERM/Strasbourg University
Classification: Pathogenic for Bardet-Biedl syndrome. Last evaluated: 2018-09-15. Review status: no assertion criteria provided. Collection method: provider interpretation. Allele origin: germline. Affected: yes. Study: French fetal BBS cohort. Not counted in ClinVar's aggregate classification.

Counsyl
Classification: Pathogenic for Bardet-Biedl syndrome 12. Last evaluated: 2017-10-18. Review status: no assertion criteria provided. Collection method: clinical testing. Allele origin: unknown. Not counted in ClinVar's aggregate classification.

Clinical Genetics DNA and cytogenetics Diagnostics Lab, Erasmus MC, Erasmus Medical Center
Classification: Pathogenic. Review status: no assertion criteria provided. Collection method: clinical testing. Allele origin: germline. Affected: yes. Study: VKGL Data-share Consensus. Not counted in ClinVar's aggregate classification.

Joint Genome Diagnostic Labs from Nijmegen and Maastricht, Radboudumc and MUMC+
Classification: Pathogenic. Review status: no assertion criteria provided. Collection method: clinical testing. Allele origin: germline. Affected: yes. Study: VKGL Data-share Consensus. Not counted in ClinVar's aggregate classification.

Literature cited by the submitters: PubMed 20827784 (cited by 3 submitters); PubMed 21642631 (cited by 3 submitters); PubMed 34906515 (cited by Natera, Inc.); PubMed 39092430 (cited by Natera, Inc.); PubMed 36281451 (cited by Natera, Inc.); PubMed 30614526 (cited by Natera, Inc. and Laboratory of Medical Genetics (UMR_S 1112), INSERM/Strasbourg University).